The following is an entry in ClinVar:

NM_145691.4(ATPAF2):c.565C>G (p.Arg189Gly)

Gene: ATPAF2 (ATP synthase mitochondrial F1 complex assembly factor 2; minus strand). Cytogenetic location: 17p11.2.
Variant type: single nucleotide variant.
Coding change: c.565C>G on transcript NM_145691.4 (MANE Select); coding-DNA position 565, C replaced by G.
Protein change: p.Arg189Gly; replaces arginine 189 with glycine.
Molecular consequence: missense variant.
Genome position (GRCh38, 1-based): chr17:18,021,796, G>C on the plus strand (C>G on the coding strand, the complement: ATPAF2 is on the minus strand). VCF-style: chr17-18021796-G-C. GRCh37 (hg19) VCF-style: chr17-17925110-G-C.
Other names: short protein forms R189G.
Identifiers: ClinVar variation 890505 (VCV000890505.28), dbSNP rs141827488, ClinGen allele CA8421817.
Genomic context (GRCh38, chr17:18,021,796, plus strand): 5'-CATACATGCCTTGTAAAGCCCATGTGTTGTAAGATGCCAGGTGGCTGACGAGCACCTCCC[G>C]AGTTTTGGCAGGGATGCTGGGTCCCATTATGCTGGTGGAGGAGCTGATCTCCACGCCGTA-3'
Protein context (NP_663729.1, residues 179-199): IMGPSIPAKT[Arg189Gly]EVLVSHLASY

ClinVar aggregate classification (germline): Conflicting classifications of pathogenicity. Review status: criteria provided, conflicting classifications (1 of 4 stars). 2 submissions from 2 submitters: Uncertain significance (1); Likely benign (1). Last evaluated 2022-08-01.

Conditions:
Mitochondrial complex V (ATP synthase) deficiency, nuclear type 1. Also called: Nuclear-Encoded ATPase Deficiency, ATPAF2-Related; MITOCHONDRIAL COMPLEX V (ATP SYNTHASE) DEFICIENCY, ATPAF2 TYPE. Identifiers: Orphanet 254913, MedGen C3276276, MONDO:0011421, OMIM 604273.

Allele frequency attached by ClinVar (database versions not stated): TOPMed 0.00001.
gnomAD v4.1: 2 of 1,614,150 alleles (0.00012%); highest among the groups gnomAD compares: Non-Finnish European, 0.00017%; no homozygotes.

Submissions (2):

CeGaT Center for Human Genetics Tuebingen
Classification: Likely benign. Last evaluated: 2022-08-01. Review status: criteria provided, single submitter. Criteria: CeGaT Center For Human Genetics Tuebingen Variant Classification Criteria Version 2. Collection method: clinical testing. Allele origin: germline. Affected: yes. Observed: 1 variant allele.
Comment: ATPAF2: BP4

Illumina Laboratory Services, Illumina
Classification: Uncertain significance for Mitochondrial complex V (ATP synthase) deficiency, nuclear type 1. Last evaluated: 2018-01-13. Review status: criteria provided, single submitter. Criteria: ICSL Variant Classification Criteria 13 December 2019. Collection method: clinical testing. Allele origin: germline.